The following is an entry in ClinVar:

ClinVar aggregate classification (germline): Benign (1 of 4 stars; one submission).

Submission:

GeneDx
Classification: Benign. Last evaluated: 2018-06-14. Review status: criteria provided, single submitter. Criteria: GeneDx Variant Classification (06012015). Collection method: clinical testing. Allele origin: germline. Affected: yes.
Comment: This variant is considered likely benign or benign based on one or more of the following criteria: it is a conservative change, it occurs at a poorly conserved position in the protein, it is predicted to be benign by multiple in silico algorithms, and/or has population frequency not consistent with disease.

NM_001379210.1(SLC25A26):c.453+283TTTG[3]

Gene: SLC25A26 (solute carrier family 25 member 26; plus strand). Cytogenetic location: 3p14.1.
Variant type: Microsatellite.
Coding change: c.453+283TTTG[3] on transcript NM_001379210.1 (MANE Select); three copies in a row of the 4-base unit TTTG starting at c.453+283.
Molecular consequence: intron variant.
Genome position: GRCh38 VCF-style: chr3-66263661-T-TTTTG. GRCh37 (hg19) VCF-style: chr3-66314085-T-TTTTG.
Other names: c.453+283TTTG[3] (NM_173471.4); c.189+283TTTG[3] (NM_001350993.1, NM_001164796.1); c.453+282_453+283insTTTG (NM_173471.3).
Identifiers: ClinVar variation 669569 (VCV000669569.1), dbSNP rs35586156, ClinGen allele CA76494596.
Genomic context (GRCh38, chr3:66,263,661, plus strand): 5'-CCATGTTGTTACTGACTTGTTATTCTAGGGTGGCTAAATGTCTCTTATAGTTGAAGTATT[T>TTTTG]TTTGTTTGTTTTTTTGAAATGCAGTCTCGCTCTGTCACCCAGGCTGGCGTGCAGTGGCGC-3'